The following is an entry in ClinVar:

NM_032043.3(BRIP1):c.2944A>G (p.Lys982Glu)

Gene: BRIP1 (BRCA1 interacting DNA helicase 1; minus strand). Cytogenetic location: 17q23.2.
Variant type: single nucleotide variant.
Coding change: c.2944A>G on transcript NM_032043.3 (MANE Select); coding-DNA position 2944, A replaced by G.
Protein change: p.Lys982Glu; replaces lysine 982 with glutamic acid.
Molecular consequence: missense variant.
Genome position (GRCh38, 1-based): chr17:61,684,102, T>C on the plus strand (A>G on the coding strand, the complement: BRIP1 is on the minus strand). VCF-style: chr17-61684102-T-C. GRCh37 (hg19) VCF-style: chr17-59761463-T-C.
Other names: short protein forms K982E.
Identifiers: ClinVar variation 628566 (VCV000628566.13), dbSNP rs1316369686, ClinGen allele CA400480692.

ClinVar aggregate classification (germline): Uncertain significance. Review status: criteria provided, multiple submitters, no conflicts (2 of 4 stars). 3 submissions from 3 submitters: Uncertain significance (3). Last evaluated 2026-07-06.

Conditions:
Hereditary cancer-predisposing syndrome. Also called: Neoplastic Syndromes, Hereditary; Hereditary Cancer Syndrome; Hereditary neoplastic syndrome; Tumor predisposition. Identifiers: Orphanet 140162, MedGen C0027672, MeSH D009386, MONDO:0015356.
Familial cancer of breast. Also called: hereditary breast carcinoma; BREAST CANCER, FAMILIAL; Hereditary breast cancer. Identifiers: Orphanet 227535, MedGen C0346153, MONDO:0016419, OMIM 114480. Disease mechanism: loss of function.
Fanconi anemia complementation group J. Also called: BRIP1-Related Fanconi Anemia. Identifiers: Orphanet 84, MedGen C1836860, MONDO:0012187, OMIM 609054.

Allele frequency attached by ClinVar (database versions not stated): gnomAD 0.00001.
gnomAD v4.1: 1 of 1,613,486 alleles (0.000062%); no homozygotes.

Submissions (3):

Ambry Genetics
Classification: Uncertain significance for Hereditary cancer-predisposing syndrome. Last evaluated: 2026-07-06. Review status: criteria provided, single submitter. Criteria: Ambry Variant Classification Scheme 2023. Collection method: clinical testing. Allele origin: germline.
Comment: The p.K982E variant (also known as c.2944A>G), located in coding exon 19 of the BRIP1 gene, results from an A to G substitution at nucleotide position 2944. The lysine at codon 982 is replaced by glutamic acid, an amino acid with similar properties. This amino acid position is conserved. In addition, this alteration is predicted to be tolerated by in silico analysis. Based on the available evidence, the clinical significance of this variant remains unclear.

Color Diagnostics, LLC DBA Color Health
Classification: Uncertain significance for Hereditary cancer-predisposing syndrome. Last evaluated: 2023-12-05. Review status: criteria provided, single submitter. Criteria: ACMG Guidelines, 2015. Collection method: clinical testing. Allele origin: germline.
Comment: This missense variant replaces lysine with glutamic acid at codon 982 of the BRIP1 protein. Computational prediction suggests that this variant may not impact protein structure and function (internally defined REVEL score threshold <= 0.5, PMID: 27666373). To our knowledge, functional studies have not been reported for this variant. This variant has not been reported in individuals affected with BRIP1-related disorders in the literature. This variant has not been identified in the general population by the Genome Aggregation Database (gnomAD). The available evidence is insufficient to determine the role of this variant in disease conclusively. Therefore, this variant is classified as a Variant of Uncertain Significance.

Labcorp Genetics (formerly Invitae), Labcorp
Classification: Uncertain significance for Familial cancer of breast; Fanconi anemia complementation group J. Last evaluated: 2021-10-05. Review status: criteria provided, single submitter. Criteria: Invitae Variant Classification Sherloc (09022015). Collection method: clinical testing. Allele origin: germline.
Comment: ClinVar contains an entry for this variant (Variation ID: 628566). This variant has not been reported in the literature in individuals affected with BRIP1-related conditions. This variant is not present in population databases (ExAC no frequency). This sequence change replaces lysine with glutamic acid at codon 982 of the BRIP1 protein (p.Lys982Glu). The lysine residue is weakly conserved and there is a small physicochemical difference between lysine and glutamic acid. Algorithms developed to predict the effect of missense changes on protein structure and function (SIFT, PolyPhen-2, Align-GVGD) all suggest that this variant is likely to be tolerated. In summary, the available evidence is currently insufficient to determine the role of this variant in disease. Therefore, it has been classified as a Variant of Uncertain Significance.